The following is an entry in ClinVar:

NM_145059.3(FCSK):c.1894C>G (p.Pro632Ala)

Gene: FCSK (fucose kinase; plus strand). Cytogenetic location: 16q22.1.
Variant type: single nucleotide variant.
Coding change: c.1894C>G on transcript NM_145059.3 (MANE Select); coding-DNA position 1894, C replaced by G.
Protein change: p.Pro632Ala; replaces proline 632 with alanine.
Molecular consequence: missense variant.
Genome position (GRCh38, 1-based): chr16:70,474,245, C>G. VCF-style: chr16-70474245-C-G. GRCh37 (hg19) VCF-style: chr16-70508148-C-G.
Other names: c.1894C>G (NM_145059.2); short protein forms P632A.
Identifiers: ClinVar variation 1682383 (VCV001682383.7), dbSNP rs780240758, ClinGen allele CA8143442.
Genomic context (GRCh38, chr16:70,474,245, plus strand): 5'-GACGTCCTGGGCTGCATGGCAGAGGGCCGTGGGGGCTTGCGGAGCGGGCCAGCTGCCAAC[C>G]CTGAGTGGATGCGGCCCTTCTCATACCTGGAGTGTGGAGACCTGGCAGCGGGCGTGGAGG-3'
Protein context (NP_659496.2, residues 622-642): GGLRSGPAAN[Pro632Ala]EWMRPFSYLE

ClinVar aggregate classification (germline): Uncertain significance. Review status: criteria provided, multiple submitters, no conflicts (2 of 4 stars). 2 submissions from 2 submitters: Uncertain significance (2). Last evaluated 2024-04-25.

Allele frequency attached by ClinVar (database versions not stated): gnomAD 0.00001; gnomAD exomes 0.00007; ExAC 0.00011.
gnomAD v4.1: 66 of 1,611,084 alleles (0.0041%); highest among the groups gnomAD compares: South Asian, 0.071%; no homozygotes.

Submissions (2):

Labcorp Genetics (formerly Invitae), Labcorp
Classification: Uncertain significance. Last evaluated: 2024-04-25. Review status: criteria provided, single submitter. Criteria: Invitae Variant Classification Sherloc (09022015). Collection method: clinical testing. Allele origin: germline.
Comment: This sequence change replaces proline, which is neutral and non-polar, with alanine, which is neutral and non-polar, at codon 632 of the FUK protein (p.Pro632Ala). This variant is present in population databases (rs780240758, gnomAD 0.06%), and has an allele count higher than expected for a pathogenic variant. This variant has not been reported in the literature in individuals affected with FUK-related conditions. ClinVar contains an entry for this variant (Variation ID: 1682383). An algorithm developed to predict the effect of missense changes on protein structure and function (PolyPhen-2) suggests that this variant is likely to be tolerated. In summary, the available evidence is currently insufficient to determine the role of this variant in disease. Therefore, it has been classified as a Variant of Uncertain Significance.

Ambry Genetics
Classification: Uncertain significance. Last evaluated: 2022-11-22. Review status: criteria provided, single submitter. Criteria: Ambry Variant Classification Scheme 2023. Collection method: clinical testing. Allele origin: germline.